The following is an entry in ClinVar:

ClinVar aggregate classification (germline): Pathogenic (1 of 4 stars; one submission).

Submission:

Athena Diagnostics
Classification: Pathogenic. Last evaluated: 2024-10-01. Review status: criteria provided, single submitter. Criteria: Athena Diagnostics Criteria. Collection method: clinical testing. Allele origin: unknown.
Comment: This variant alters a critical location within the protein, and is expected to severely affect function and cause disease. This variant has not been reported in large, multi-ethnic general populations. This variant has been identified in at least one individual with clinical features associated with CADASIL. Greater than 90% of NOTCH3 pathogenic variants associated with CADASIL involve the gain or loss of a cysteine residue within the epidermal growth factor (EGF)-like repeat domain (PMID: 32457593, 20301673).

NM_000435.3(NOTCH3):c.968G>A (p.Cys323Tyr)

Gene: NOTCH3 (notch receptor 3; minus strand). Cytogenetic location: 19p13.12.
Variant type: single nucleotide variant.
Coding change: c.968G>A on transcript NM_000435.3 (MANE Select); coding-DNA position 968, G replaced by A.
Protein change: p.Cys323Tyr; replaces cysteine 323 with tyrosine.
Molecular consequence: missense variant.
Genome position (GRCh38, 1-based): chr19:15,191,492, C>T on the plus strand (G>A on the coding strand, the complement: NOTCH3 is on the minus strand). VCF-style: chr19-15191492-C-T. GRCh37 (hg19) VCF-style: chr19-15302303-C-T.
Other names: short protein forms C323Y.
Identifiers: ClinVar variation 1807404 (VCV001807404.2), dbSNP rs2145439776, ClinGen allele CA404530976.